The following is an entry in ClinVar:

NM_001303256.3(MORC2):c.2043C>T (p.Leu681=)

Gene: MORC2 (MORC family CW-type zinc finger 2; minus strand). Cytogenetic location: 22q12.2.
Variant type: single nucleotide variant.
Coding change: c.2043C>T on transcript NM_001303256.3 (MANE Select); coding-DNA position 2043, C replaced by T.
Protein change: p.Leu681=; no amino-acid change (leucine 681 retained).
Molecular consequence: synonymous variant.
Genome position (GRCh38, 1-based): chr22:30,934,931, G>A on the plus strand (C>T on the coding strand, the complement: MORC2 is on the minus strand). VCF-style: chr22-30934931-G-A. GRCh37 (hg19) VCF-style: chr22-31330918-G-A.
Other names: c.2043C>T, p.Leu681= (NM_001303257.2); c.1857C>T, p.Leu619= (NM_014941.3).
Identifiers: ClinVar variation 743062 (VCV000743062.10), dbSNP rs908389720, ClinGen allele CA323271348.

ClinVar aggregate classification (germline): Likely benign. Review status: criteria provided, multiple submitters, no conflicts (2 of 4 stars). 2 submissions from 2 submitters: Likely benign (2). Last evaluated 2026-03-01.

Conditions:
Charcot-Marie-Tooth disease axonal type 2Z. Also called: CHARCOT-MARIE-TOOTH DISEASE, AXONAL, AUTOSOMAL DOMINANT, TYPE 2Z; CHARCOT-MARIE-TOOTH NEUROPATHY, TYPE 2Z. Identifiers: Orphanet 466768, MedGen C5569025, MONDO:0014736, OMIM 616688.

Allele frequency attached by ClinVar (database versions not stated): gnomAD 0.00001; TOPMed 0.00001.
gnomAD v4.1: 8 of 1,614,042 alleles (0.0005%); highest among the groups gnomAD compares: South Asian, 0.0011%; no homozygotes.

Submissions (2):

CeGaT Center for Human Genetics Tuebingen
Classification: Likely benign. Last evaluated: 2026-03-01. Review status: criteria provided, single submitter. Criteria: CeGaT Center For Human Genetics Tuebingen Variant Classification Criteria Version 2. Collection method: clinical testing. Allele origin: germline. Affected: yes. Observed: 1 variant allele.
Comment: MORC2: BP4, BP7

Labcorp Genetics (formerly Invitae), Labcorp
Classification: Likely benign for Charcot-Marie-Tooth disease axonal type 2Z. Last evaluated: 2026-01-06. Review status: criteria provided, single submitter. Criteria: Invitae Variant Classification Sherloc (09022015). Collection method: clinical testing. Allele origin: germline.